The following is an entry in ClinVar:

NM_000051.4(ATM):c.4303A>T (p.Lys1435Ter)

Gene: ATM (ATM serine/threonine kinase; plus strand). Cytogenetic location: 11q22.3.
Variant type: single nucleotide variant.
Coding change: c.4303A>T on transcript NM_000051.4 (MANE Select); coding-DNA position 4303, A replaced by T.
Protein change: p.Lys1435Ter; replaces lysine 1435 with a stop codon.
Molecular consequence: nonsense.
Genome position (GRCh38, 1-based): chr11:108,289,668, A>T. VCF-style: chr11-108289668-A-T. GRCh37 (hg19) VCF-style: chr11-108160395-A-T.
Other names: c.4303A>T, p.Lys1435Ter (NM_001351834.2); short protein forms K1435*.
Identifiers: ClinVar variation 449344 (VCV000449344.13), dbSNP rs876660964, ClinGen allele CA382531617.

ClinVar aggregate classification (germline): Pathogenic. Review status: criteria provided, multiple submitters, no conflicts (2 of 4 stars). 4 submissions from 4 submitters: Pathogenic (4). Last evaluated 2025-09-12.

Conditions:
Ataxia-telangiectasia syndrome (AT). Also called: LOUIS-BAR SYNDROME; Ataxia telangiectasia (A-T); Cerebello-oculocutaneous telangiectasia; Immunodeficiency with ataxia telangiectasia; Ataxia-telangiectasia, complementation group E; ATAXIA-TELANGIECTASIA, COMPLEMENTATION GROUP A. Identifiers: Orphanet 100, MedGen C0004135, MONDO:0008840, OMIM 208900.
Familial cancer of breast. Also called: BREAST CANCER, FAMILIAL; Hereditary breast cancer; hereditary breast carcinoma. Identifiers: Orphanet 227535, MedGen C0346153, MONDO:0016419, OMIM 114480. Disease mechanism: loss of function.

Submissions (4):

Dasa
Classification: Pathogenic. Last evaluated: 2025-09-12. Review status: criteria provided, single submitter. Criteria: DASA Assertion Criteria. Collection method: clinical testing. Allele origin: germline.
Comment: NM_000051.4(ATM):c.4303A>T (p.Lys1435*) introduces a premature termination codon predicted to result in loss of normal protein function. Loss-of-function is an established mechanism of disease for this gene. The affected residue or protein region has prior evidence supporting clinical relevance. This variant has been observed in affected individuals with related phenotype in a genotype context consistent with recessive disease (PMID: 12815592). This variant has been reported in individuals with related phenotype (PMID: 12815592). The variant is present at low frequency in population datasets. Based on the available data, this variant is classified as pathogenic.

Myriad Genetics, Inc.
Classification: Pathogenic for Familial cancer of breast. Last evaluated: 2024-01-24. Review status: criteria provided, single submitter. Criteria: Myriad Autosomal Dominant, Autosomal Recessive and X-Linked Classification Criteria (2023). Collection method: clinical testing. Allele origin: unknown.
Comment: This variant is considered pathogenic. This variant creates a termination codon and is predicted to result in premature protein truncation.

Labcorp Genetics (formerly Invitae), Labcorp
Classification: Pathogenic for Ataxia-telangiectasia syndrome. Last evaluated: 2021-03-20. Review status: criteria provided, single submitter. Criteria: Invitae Variant Classification Sherloc (09022015). Collection method: clinical testing. Allele origin: germline.
Comment: For these reasons, this variant has been classified as Pathogenic. Loss-of-function variants in ATM are known to be pathogenic (PMID: 23807571, 25614872). This variant has been observed in combination with another ATM variant in an individual with clinical features of ataxia-telangiectasia (PMID: 12815592). ClinVar contains an entry for this variant (Variation ID: 449344). This variant is not present in population databases (ExAC no frequency). This sequence change creates a premature translational stop signal (p.Lys1435*) in the ATM gene. It is expected to result in an absent or disrupted protein product.

GeneDx
Classification: Pathogenic. Last evaluated: 2017-05-05. Review status: criteria provided, single submitter. Criteria: GeneDx Variant Classification (06012015). Collection method: clinical testing. Allele origin: germline. Affected: yes.
Comment: This variant is denoted ATM c.4303A>T at the cDNA level and p.Lys1435Ter (K1435X) at the proteinlevel. The substitution creates a nonsense variant, which changes a Lysine to a premature stop codon (AAG>TAG),and is predicted to cause loss of normal protein function through either protein truncation or nonsense-mediated mRNAdecay. This variant has been reported in at least one individual with Ataxia-telangiectasia (Mitui 2003) and isconsidered pathogenic

Literature cited by the submitters: PubMed 12815592 (cited by Dasa and Labcorp Genetics (formerly Invitae), Labcorp); PubMed 23807571 (cited by Labcorp Genetics (formerly Invitae), Labcorp); PubMed 25614872 (cited by Labcorp Genetics (formerly Invitae), Labcorp).